The following is an entry in ClinVar:

ClinVar aggregate classification (germline): Uncertain significance (1 of 4 stars; one submission).

Conditions:
Epidermodysplasia verruciformis. Identifiers: Orphanet 302, MedGen C0014522, MONDO:0009176.

gnomAD v4.1: 3 of 1,613,436 alleles (0.00019%); highest among the groups gnomAD compares: Middle Eastern, 0.016%; no homozygotes.

Submission:

Labcorp Genetics (formerly Invitae), Labcorp
Classification: Uncertain significance for Epidermodysplasia verruciformis. Last evaluated: 2022-08-23. Review status: criteria provided, single submitter. Criteria: Invitae Variant Classification Sherloc (09022015). Collection method: clinical testing. Allele origin: germline.
Comment: This variant has not been reported in the literature in individuals affected with TMC6-related conditions. In summary, the available evidence is currently insufficient to determine the role of this variant in disease. Therefore, it has been classified as a Variant of Uncertain Significance. Algorithms developed to predict the effect of missense changes on protein structure and function are either unavailable or do not agree on the potential impact of this missense change (SIFT: "Not Available"; PolyPhen-2: "Benign"; Align-GVGD: "Not Available"). ClinVar contains an entry for this variant (Variation ID: 856794). This variant is not present in population databases (gnomAD no frequency). This sequence change replaces arginine, which is basic and polar, with histidine, which is basic and polar, at codon 747 of the TMC6 protein (p.Arg747His).

NM_001127198.5(TMC6):c.2240G>A (p.Arg747His)

Gene: TMC6 (transmembrane channel like 6; minus strand). Cytogenetic location: 17q25.3.
Variant type: single nucleotide variant.
Coding change: c.2240G>A on transcript NM_001127198.5 (MANE Select); coding-DNA position 2240, G replaced by A.
Protein change: p.Arg747His; replaces arginine 747 with histidine.
Molecular consequence: missense variant.
Genome position (GRCh38, 1-based): chr17:78,117,306, C>T on the plus strand (G>A on the coding strand, the complement: TMC6 is on the minus strand). VCF-style: chr17-78117306-C-T. GRCh37 (hg19) VCF-style: chr17-76113387-C-T.
Other names: c.2240G>A, p.Arg747His (NM_001321185.1, NM_001374596.1, NM_001375353.1 and 2 more transcripts); c.2060G>A, p.Arg687His (NM_001374593.1, NM_001374594.1); short protein forms R687H, R747H.
Identifiers: ClinVar variation 856794 (VCV000856794.10), dbSNP rs754324709, ClinGen allele CA401224403.
Genomic context (GRCh38, chr17:78,117,306, plus strand): 5'-AGCAGCCCAGGAGGGGCACTCACATTGCTGATCTGCTCCTTGAGCAGGCAGATGACCTTG[C>T]GCTGGCCCCGCACCACCTGGATGTTGAGGTAGATCACGGCCCTGCGGGAGAGGGGCTGTC-3'
Protein context (NP_001120670.1, residues 737-757): YLNIQVVRGQ[Arg747His]KVICLLKEQI